The following is an entry in ClinVar:

ClinVar aggregate classification (germline): Uncertain significance. Review status: criteria provided, multiple submitters, no conflicts (2 of 4 stars). 2 submissions from 2 submitters: Uncertain significance (2). Last evaluated 2026-01-05.

Conditions:
Cockayne syndrome. Identifiers: Orphanet 191, MedGen C0009207, MONDO:0016006.
Fanconi anemia complementation group Q. Identifiers: Orphanet 84, MedGen C3808988, MONDO:0014108, OMIM 615272.
Xeroderma pigmentosum, group F (XPF). Also called: XERODERMA PIGMENTOSUM, COMPLEMENTATION GROUP F; XERODERMA PIGMENTOSUM VI; XP, GROUP F; XERODERMA PIGMENTOSUM, TYPE F; Xeroderma pigmentosum, type 6; ERCC4-Related Xeroderma Pigmentosum. Identifiers: MedGen C0268140, MONDO:0010215, OMIM 278760.
Inborn genetic diseases. Identifiers: MedGen C0950123, MeSH D030342.

Allele frequency attached by ClinVar (database versions not stated): TOPMed below 0.00001; gnomAD 0.00002; ExAC 0.00003; gnomAD exomes 0.00006; ESP Exome Variant Server 0.00008.
gnomAD v4.1: 84 of 1,607,598 alleles (0.0052%); highest among the groups gnomAD compares: Non-Finnish European, 0.006%; no homozygotes.

Submissions (2):

Labcorp Genetics (formerly Invitae), Labcorp
Classification: Uncertain significance for Fanconi anemia complementation group Q; Xeroderma pigmentosum, group F; Cockayne syndrome. Last evaluated: 2026-01-05. Review status: criteria provided, single submitter. Criteria: Invitae Variant Classification Sherloc (09022015). Collection method: clinical testing. Allele origin: germline.
Comment: This sequence change replaces aspartic acid, which is acidic and polar, with glycine, which is neutral and non-polar, at codon 28 of the ERCC4 protein (p.Asp28Gly). This variant is present in population databases (rs367608263, gnomAD 0.03%). This variant has not been reported in the literature in individuals affected with ERCC4-related conditions. ClinVar contains an entry for this variant (Variation ID: 2922884). Invitae Evidence Modeling of protein sequence and biophysical properties (such as structural, functional, and spatial information, amino acid conservation, physicochemical variation, residue mobility, and thermodynamic stability) indicates that this missense variant is not expected to disrupt ERCC4 protein function with a negative predictive value of 80%. In summary, the available evidence is currently insufficient to determine the role of this variant in disease. Therefore, it has been classified as a Variant of Uncertain Significance.

Ambry Genetics
Classification: Uncertain significance for Inborn genetic diseases. Last evaluated: 2025-08-22. Review status: criteria provided, single submitter. Criteria: Ambry Variant Classification Scheme 2023. Collection method: clinical testing. Allele origin: germline.

NM_005236.3(ERCC4):c.83A>G (p.Asp28Gly)

Genes: ERCC4 (ERCC excision repair 4, endonuclease catalytic subunit; plus strand), LOC130058543 (ATAC-STARR-seq lymphoblastoid active region 10486; plus strand). Cytogenetic location: 16p13.12.
Variant type: single nucleotide variant.
Coding change: c.83A>G on transcript NM_005236.3 (MANE Select); coding-DNA position 83, A replaced by G.
Protein change: p.Asp28Gly; replaces aspartic acid 28 with glycine.
Molecular consequence: missense variant.
Genome position (GRCh38, 1-based): chr16:13,920,248, A>G. VCF-style: chr16-13920248-A-G. GRCh37 (hg19) VCF-style: chr16-14014105-A-G.
Other names: short protein forms D28G.
Identifiers: ClinVar variation 2922884 (VCV002922884.4), dbSNP rs367608263, ClinGen allele CA7910083.